The following is an entry in ClinVar:

NM_014332.3(SMPX):c.133-8del

Gene: SMPX (small muscle protein X-linked; minus strand). Cytogenetic location: Xp22.12.
Variant type: Deletion.
Coding change: c.133-8del on transcript NM_014332.3 (MANE Select); 8 bases into the intron before coding-DNA position 133, one base deleted (C; older notation c.133-8delC).
Molecular consequence: intron variant.
Genome position (GRCh38, 1-based): chrX:21,737,705, G deleted on the plus strand (C on the coding strand, the reverse complement: SMPX is on the minus strand). VCF-style (leftmost placement, unchanged base first): chrX-21737704-AG-A. GRCh37 (hg19) VCF-style: chrX-21755822-AG-A.
Other names: c.133-8delC (NM_014332.2).
Identifiers: ClinVar variation 2746085 (VCV002746085.4), dbSNP rs1241405904, ClinGen allele CA873863307.
Genomic context (GRCh38, chrX:21,737,704, plus strand): 5'-TTTCTTCGCTCCTGGAATTGGCTTCTTCTCCTCATCCGAGGTGGGAGGAACACCCTGAAG[AG>A]CAAGGAGAAGAAATCCAACTCACCAAAAATCACATTTGATCTCTTTGGGCCATAAGCATG-3'

ClinVar aggregate classification (germline): Likely benign. Review status: criteria provided, multiple submitters, no conflicts (2 of 4 stars). 2 submissions from 2 submitters: Likely benign (2). Last evaluated 2025-03-24.

Conditions:
SMPX-related disorder. Also called: SMPX-related condition.

Allele frequency attached by ClinVar (database versions not stated): gnomAD exomes below 0.00001; gnomAD 0.00001; TOPMed 0.00001.

Submissions (2):

Labcorp Genetics (formerly Invitae), Labcorp
Classification: Likely benign. Last evaluated: 2025-03-24. Review status: criteria provided, single submitter. Criteria: Invitae Variant Classification Sherloc (09022015). Collection method: clinical testing. Allele origin: germline.

PreventionGenetics, part of Exact Sciences
Classification: Likely benign for SMPX-related condition. Last evaluated: 2025-03-09. Review status: criteria provided, single submitter. Criteria: ACMG Guidelines, 2015. Collection method: clinical testing. Allele origin: germline.
Comment: This variant is classified as likely benign based on ACMG/AMP sequence variant interpretation guidelines (Richards et al. 2015 PMID: 25741868, with internal and published modifications).